The following is an entry in ClinVar:

NM_004064.5(CDKN1B):c.584G>A (p.Arg195Lys)

Gene: CDKN1B (cyclin dependent kinase inhibitor 1B; plus strand). Cytogenetic location: 12p13.1.
Variant type: single nucleotide variant.
Coding change: c.584G>A on transcript NM_004064.5 (MANE Select); coding-DNA position 584, G replaced by A.
Protein change: p.Arg195Lys; replaces arginine 195 with lysine.
Molecular consequence: missense variant.
Genome position (GRCh38, 1-based): chr12:12,718,933, G>A. VCF-style: chr12-12718933-G-A. GRCh37 (hg19) VCF-style: chr12-12871867-G-A.
Other names: short protein forms R195K.
Identifiers: ClinVar variation 3830970 (VCV003830970.1).

ClinVar aggregate classification (germline): Uncertain significance (1 of 4 stars; one submission).

Conditions:
Hereditary cancer-predisposing syndrome. Also called: Hereditary neoplastic syndrome; Neoplastic Syndromes, Hereditary; Tumor predisposition; Hereditary Cancer Syndrome. Identifiers: Orphanet 140162, MedGen C0027672, MeSH D009386, MONDO:0015356.

Submission:

Ambry Genetics
Classification: Uncertain significance for Hereditary cancer-predisposing syndrome. Last evaluated: 2025-01-17. Review status: criteria provided, single submitter. Criteria: Ambry Variant Classification Scheme 2023. Collection method: clinical testing. Allele origin: germline.
Comment: The p.R195K variant (also known as c.584G>A), located in coding exon 2 of the CDKN1B gene, results from a G to A substitution at nucleotide position 584. The arginine at codon 195 is replaced by lysine, an amino acid with highly similar properties. This amino acid position is conserved. In addition, this alteration is predicted to be tolerated by in silico analysis. Based on the available evidence, the clinical significance of this variant remains unclear.